The following is an entry in ClinVar:

NM_033380.3(COL4A5):c.4769C>T (p.Pro1590Leu)

Gene: COL4A5 (collagen type IV alpha 5 chain; plus strand). Cytogenetic location: Xq22.3.
Variant type: single nucleotide variant.
Coding change: c.4769C>T on transcript NM_033380.3 (MANE Select); coding-DNA position 4769, C replaced by T.
Protein change: p.Pro1590Leu; replaces proline 1590 with leucine.
Molecular consequence: missense variant.
Genome position (GRCh38, 1-based): chrX:108,694,869, C>T. VCF-style: chrX-108694869-C-T. GRCh37 (hg19) VCF-style: chrX-107938099-C-T.
Other names: c.4751C>T, p.Pro1584Leu (NM_000495.5); short protein forms P1584L, P1590L.
Identifiers: ClinVar variation 1508349 (VCV001508349.7), dbSNP rs281874747, ClinGen allele CA259099.

ClinVar aggregate classification (germline): Likely pathogenic. Review status: criteria provided, multiple submitters, no conflicts (2 of 4 stars). 2 submissions from 2 submitters: Likely pathogenic (2). Last evaluated 2021-12-14.

Conditions:
X-linked Alport syndrome (ATS1). Also called: COL4A5-Related Nephropathy; NEPHROPATHY AND DEAFNESS, X-LINKED. Identifiers: Orphanet 63, Orphanet 88917, MedGen C4746986, MONDO:0010520, OMIM 301050.

Submissions (2):

Fulgent Genetics
Classification: Likely pathogenic for X-linked Alport syndrome. Last evaluated: 2021-12-14. Review status: criteria provided, single submitter. Criteria: ACMG Guidelines, 2015. Collection method: clinical testing. Allele origin: unknown.

Labcorp Genetics (formerly Invitae), Labcorp
Classification: Likely pathogenic. Last evaluated: 2021-06-07. Review status: criteria provided, single submitter. Criteria: Invitae Variant Classification Sherloc (09022015). Collection method: clinical testing. Allele origin: germline.
Comment: This sequence change replaces proline with leucine at codon 1584 of the COL4A5 protein (p.Pro1584Leu). The proline residue is highly conserved and there is a moderate physicochemical difference between proline and leucine. This variant is not present in population databases (ExAC no frequency). This variant has been observed in individual(s) with clinical features of Alport syndrome (PMID: 20378821, Invitae). ClinVar contains an entry for this variant (Variation ID: 24765). Advanced modeling of protein sequence and biophysical properties (such as structural, functional, and spatial information, amino acid conservation, physicochemical variation, residue mobility, and thermodynamic stability) performed at Invitae indicates that this missense variant is expected to disrupt COL4A5 protein function. This variant disrupts the p.Pro1584 amino acid residue in COL4A5. Other variant(s) that disrupt this residue have been observed in individuals with COL4A5-related conditions (PMID: 28844315), which suggests that this may be a clinically significant amino acid residue. In summary, the currently available evidence indicates that the variant is pathogenic, but additional data are needed to prove that conclusively. Therefore, this variant has been classified as Likely Pathogenic.

Literature cited by the submitters: PubMed 20378821 (cited by Labcorp Genetics (formerly Invitae), Labcorp); PubMed 28844315 (cited by Labcorp Genetics (formerly Invitae), Labcorp).